The following is an entry in ClinVar:

NM_001099922.3(ALG13):c.3251C>A (p.Ser1084Tyr)

Gene: ALG13 (ALG13 UDP-N-acetylglucosaminyltransferase subunit; plus strand). Cytogenetic location: Xq23.
Variant type: single nucleotide variant.
Coding change: c.3251C>A on transcript NM_001099922.3 (MANE Select); coding-DNA position 3251, C replaced by A.
Protein change: p.Ser1084Tyr; replaces serine 1084 with tyrosine.
Molecular consequence: missense variant. On other transcripts: non-coding transcript variant (1).
Genome position (GRCh38, 1-based): chrX:111,759,836, C>A. VCF-style: chrX-111759836-C-A. GRCh37 (hg19) VCF-style: chrX-111003064-C-A.
Other names: c.2702C>A, p.Ser901Tyr (NM_001257230.2, NM_001257234.2, NM_001257237.2); c.3017C>A, p.Ser1006Tyr (NM_001257231.2); c.3014C>A, p.Ser1005Tyr (NM_001324292.2); c.2528C>A, p.Ser843Tyr (NM_001324293.1); short protein forms S1006Y, S1084Y, S901Y, S1005Y, S843Y.
Identifiers: ClinVar variation 837381 (VCV000837381.10), dbSNP rs1945595856, ClinGen allele CA414293338.
Genomic context (GRCh38, chrX:111,759,836, plus strand): 5'-CAGTCTATTATCCAGTAATGTCAGATCCCTATGGGCAGCCACCTTTGCCAGGTTTTGACT[C>A]CTGCCTTCCGGTTGTGCCAGATTATTCCTGTGTTCCCCCCTGGCATCCAGTTGGTACAGC-3'
Protein context (NP_001093392.1, residues 1074-1094): YGQPPLPGFD[Ser1084Tyr]CLPVVPDYSC

ClinVar aggregate classification (germline): Uncertain significance (1 of 4 stars; one submission).

Conditions:
Developmental and epileptic encephalopathy, 36 (DEE36). Also called: Epileptic encephalopathy, early infantile, 36; Congenital disorder of glycosylation, type Is; ALG13-CDG. Identifiers: Orphanet 324422, MedGen C4317295, MONDO:0010472, OMIM 300884.

Allele frequency attached by ClinVar (database versions not stated): gnomAD exomes below 0.00001; TOPMed 0.00001.
gnomAD v4.1: 2 of 1,211,071 alleles (0.00017%); highest among the groups gnomAD compares: Non-Finnish European, 0.00022%; no homozygotes.

Submission:

Labcorp Genetics (formerly Invitae), Labcorp
Classification: Uncertain significance for Developmental and epileptic encephalopathy, 36. Last evaluated: 2025-04-02. Review status: criteria provided, single submitter. Criteria: Invitae Variant Classification Sherloc (09022015). Collection method: clinical testing. Allele origin: germline.
Comment: This sequence change replaces serine, which is neutral and polar, with tyrosine, which is neutral and polar, at codon 1084 of the ALG13 protein (p.Ser1084Tyr). This variant is not present in population databases (gnomAD no frequency). This variant has not been reported in the literature in individuals affected with ALG13-related conditions. ClinVar contains an entry for this variant (Variation ID: 837381). Invitae Evidence Modeling of protein sequence and biophysical properties (such as structural, functional, and spatial information, amino acid conservation, physicochemical variation, residue mobility, and thermodynamic stability) indicates that this missense variant is not expected to disrupt ALG13 protein function with a negative predictive value of 95%. In summary, the available evidence is currently insufficient to determine the role of this variant in disease. Therefore, it has been classified as a Variant of Uncertain Significance.